The following is an entry in ClinVar:

ClinVar aggregate classification (germline): Likely benign. Review status: criteria provided, multiple submitters, no conflicts (2 of 4 stars). 2 submissions from 2 submitters: Likely benign (2). Last evaluated 2026-08-18.

Conditions:
PCNT-related disorder. Also called: PCNT-related condition.

Submissions (2):

PreventionGenetics, part of Exact Sciences
Classification: Likely benign for PCNT-related condition. Last evaluated: 2026-08-18. Review status: criteria provided, single submitter. Criteria: ACMG Guidelines, 2015. Collection method: clinical testing. Allele origin: germline.
Comment: This variant is classified as likely benign based on ACMG/AMP sequence variant interpretation guidelines (Richards et al. 2015 PMID: 25741868, with internal and published modifications).

Labcorp Genetics (formerly Invitae), Labcorp
Classification: Likely benign. Last evaluated: 2023-05-19. Review status: criteria provided, single submitter. Criteria: Invitae Variant Classification Sherloc (09022015). Collection method: clinical testing. Allele origin: germline.

NM_006031.6(PCNT):c.3600G>A (p.Leu1200=)

Gene: PCNT (pericentrin; plus strand). Cytogenetic location: 21q22.3.
Variant type: single nucleotide variant.
Coding change: c.3600G>A on transcript NM_006031.6 (MANE Select); coding-DNA position 3600, G replaced by A.
Protein change: p.Leu1200=; no amino-acid change (leucine 1200 retained).
Molecular consequence: synonymous variant.
Genome position (GRCh38, 1-based): chr21:46,388,877, G>A. VCF-style: chr21-46388877-G-A. GRCh37 (hg19) VCF-style: chr21-47808792-G-A.
Other names: c.3246G>A, p.Leu1082= (NM_001315529.2); c.3600G>A (NM_006031.5).
Identifiers: ClinVar variation 2865711 (VCV002865711.4), dbSNP rs367562562, ClinGen allele CA512738055.